The following is an entry in ClinVar:

ClinVar aggregate classification (germline): Benign/Likely benign. Review status: criteria provided, multiple submitters, no conflicts (2 of 4 stars). 4 submissions from 4 submitters: Benign (1); Likely benign (2). 1 of the submissions does not count toward it. Last evaluated 2024-11-27.

Conditions:
ANKRD26-related disorder. Also called: ANKRD26-related condition.
Thrombocytopenia 2 (THC2). Also called: ANKRD26-Related Thrombocytopenia. Identifiers: Orphanet 268322, MedGen C1861185, MONDO:0008555, OMIM 188000.

Allele frequency attached by ClinVar (database versions not stated): gnomAD exomes 0.00387 and 0.01671; ExAC 0.00953; gnomAD 0.01366 and 0.01947.

Submissions (4):

Blueprint Genetics
Classification: Likely benign. Last evaluated: 2024-11-27. Review status: criteria provided, single submitter. Criteria: ACMG Guidelines, 2015. Collection method: clinical testing. Allele origin: germline.

ARUP Laboratories, Molecular Genetics and Genomics, ARUP Laboratories
Classification: Benign for Thrombocytopenia 2. Last evaluated: 2024-09-05. Review status: criteria provided, single submitter. Criteria: ARUP Molecular Germline Variant Investigation Process 2024. Collection method: clinical testing. Allele origin: germline.

GeneDx
Classification: Likely benign. Last evaluated: 2019-03-02. Review status: criteria provided, single submitter. Criteria: GeneDx Variant Classification Process June 2021. Collection method: clinical testing. Allele origin: germline. Affected: yes.

PreventionGenetics, part of Exact Sciences
Classification: Benign for ANKRD26-related condition. Last evaluated: 2021-08-04. Review status: no assertion criteria provided. Collection method: clinical testing. Allele origin: germline. Not counted in ClinVar's aggregate classification.
Comment: This variant is classified as benign based on ACMG/AMP sequence variant interpretation guidelines (Richards et al. 2015 PMID: 25741868, with internal and published modifications).

NM_014915.3(ANKRD26):c.1269+11_1269+12del

Gene: ANKRD26 (ankyrin repeat domain 26; minus strand). Cytogenetic location: 10p12.1.
Variant type: Deletion.
Coding change: c.1269+11_1269+12del on transcript NM_014915.3 (MANE Select); bases 11 to 12 of the intron after coding-DNA position 1269, 2 bases deleted (TG; older notation c.1269+11_1269+12delTG).
Molecular consequence: intron variant.
Genome position (GRCh38, 1-based): chr10:27,066,475-27,066,476, CA deleted on the plus strand (TG on the coding strand, the reverse complement: ANKRD26 is on the minus strand). VCF-style (leftmost placement, unchanged base first): chr10-27066474-CCA-C. GRCh37 (hg19) VCF-style: chr10-27355403-CCA-C.
Other names: c.1269+11_1269+12delTG (NM_014915.2); c.1269+11_1269+12del (NM_001256053.2).
Identifiers: ClinVar variation 1207046 (VCV001207046.7), dbSNP rs375101238, ClinGen allele CA5448620.